The following is an entry in ClinVar:

ClinVar aggregate classification (germline): Likely benign. Review status: criteria provided, multiple submitters, no conflicts (2 of 4 stars). 2 submissions from 2 submitters: Likely benign (2). Last evaluated 2018-06-13.

Allele frequency attached by ClinVar (database versions not stated): gnomAD exomes 0.00117; gnomAD 0.01163 and 0.01249; 1000 Genomes Project 0.01198; 1000 Genomes Project 30x 0.01265; TOPMed 0.01343.
gnomAD v4.1: 3,315 of 1,418,552 alleles (0.23%); highest among the groups gnomAD compares: African/African-American, 4.1%; 53 homozygotes.

Submissions (2):

GeneDx
Classification: Likely benign. Last evaluated: 2018-06-13. Review status: criteria provided, single submitter. Criteria: GeneDx Variant Classification (06012015). Collection method: clinical testing. Allele origin: germline. Affected: yes.
Comment: This variant is considered likely benign or benign based on one or more of the following criteria: it is a conservative change, it occurs at a poorly conserved position in the protein, it is predicted to be benign by multiple in silico algorithms, and/or has population frequency not consistent with disease.

Breakthrough Genomics
Classification: Likely benign. Review status: criteria provided, single submitter. Criteria: ACMG Guidelines, 2015. Collection method: not provided. Allele origin: germline. Inheritance: Autosomal recessive inheritance. Affected: yes.

NM_144672.4(OTOA):c.1320+69G>T

Gene: OTOA (otoancorin). Cytogenetic location: 16p12.2.
Variant type: single nucleotide variant.
Coding change: c.1320+69G>T on transcript NM_144672.4 (MANE Select); 69 bases into the intron after coding-DNA position 1320, G replaced by T.
Molecular consequence: intron variant.
Genome position (GRCh38, 1-based): chr16:21,710,172, G>T. VCF-style: chr16-21710172-G-T. GRCh37 (hg19) VCF-style: chr16-21721493-G-T.
Other names: c.1083+69G>T (NM_001161683.2); c.348+69G>T (NM_170664.3).
Identifiers: ClinVar variation 677072 (VCV000677072.2), dbSNP rs73549647, ClinGen allele CA279403761.